The following is an entry in ClinVar:

ClinVar aggregate classification (germline): Pathogenic (1 of 4 stars; one submission).

Conditions:
ALG6-congenital disorder of glycosylation 1C (CDG1C). Also called: CARBOHYDRATE-DEFICIENT GLYCOPROTEIN SYNDROME, TYPE I, WITH DEFICIENT GLYCOSYLATION OF DOLICHOL-LINKED OLIGOSACCHARIDE; CARBOHYDRATE-DEFICIENT GLYCOPROTEIN SYNDROME, TYPE V; Congenital disorder of glycosylation type 1C; Congenital disorder of glycosylation, type Ic; CDG Ic. Identifiers: Orphanet 79320, MedGen C2930997, MONDO:0011291, OMIM 603147.

Submission:

Labcorp Genetics (formerly Invitae), Labcorp
Classification: Pathogenic for ALG6-congenital disorder of glycosylation 1C. Last evaluated: 2019-05-27. Review status: criteria provided, single submitter. Criteria: Invitae Variant Classification Sherloc (09022015). Collection method: clinical testing. Allele origin: germline.
Comment: For these reasons, this variant has been classified as Pathogenic. This sequence change creates a premature translational stop signal (p.Leu97Profs*21) in the ALG6 gene. It is expected to result in an absent or disrupted protein product. This variant is not present in population databases (ExAC no frequency). This variant has not been reported in the literature in individuals with ALG6-related conditions. Loss-of-function variants in ALG6 are known to be pathogenic (PMID: 19862844).

Literature cited by the submitters: PubMed 19862844.

NM_013339.4(ALG6):c.290del (p.Leu97fs)

Gene: ALG6 (ALG6 alpha-1,3-glucosyltransferase; plus strand). Cytogenetic location: 1p31.3.
Variant type: Deletion.
Coding change: c.290del on transcript NM_013339.4 (MANE Select); coding-DNA position 290, one base deleted (T; older notation c.290delT).
Protein change: p.Leu97fs; shifts the reading frame from leucine 97.
Molecular consequence: frameshift variant.
Genome position (GRCh38, 1-based): chr1:63,404,485, T deleted. VCF-style (leftmost placement, unchanged base first): chr1-63404484-CT-C. GRCh37 (hg19) VCF-style: chr1-63870155-CT-C.
Other names: short protein forms L97fs.
Identifiers: ClinVar variation 842549 (VCV000842549.7), dbSNP rs1644480895, ClinGen allele CA916082034.